The following is an entry in ClinVar:

NM_001267550.2(TTN):c.66646C>T (p.Arg22216Cys)

Genes: TTN (titin; minus strand), TTN-AS1 (TTN antisense RNA 1; plus strand). Cytogenetic location: 2q31.2.
Variant type: single nucleotide variant.
Coding change: c.66646C>T on transcript NM_001267550.2 (MANE Select); coding-DNA position 66646, C replaced by T.
Protein change: p.Arg22216Cys; replaces arginine 22216 with cysteine.
Molecular consequence: missense variant.
Genome position (GRCh38, 1-based): chr2:178,581,622, G>A on the plus strand (C>T on the coding strand, the complement: TTN is on the minus strand). VCF-style: chr2-178581622-G-A. GRCh37 (hg19) VCF-style: chr2-179446349-G-A.
Other names: c.61723C>T, p.Arg20575Cys (NM_001256850.1); c.39451C>T, p.Arg13151Cys (NM_003319.4); c.58942C>T, p.Arg19648Cys (NM_133378.4); c.39826C>T, p.Arg13276Cys (NM_133432.3); c.40027C>T, p.Arg13343Cys (NM_133437.4); short protein forms R19648C, R20575C, R13276C, R13343C, R13151C, R22216C.
Identifiers: ClinVar variation 1736377 (VCV001736377.2), dbSNP rs1365775589, ClinGen allele CA349428581.
Genomic context (GRCh38, chr2:178,581,622, plus strand): 5'-TAACGGCATACACACGGAATTGATATTGTGTGTCTTCCATCAGGCCAGTAACCTCAAAGC[G>A]GGTTTTCTGTAGATTCTGTGGTAAGTTGCACCTCACCCAGTTATCGGAGTCAGCCCGTTT-3'
Protein context (NP_001254479.2, residues 22206-22226): CNLPQNLQKT[Arg22216Cys]FEVTGLMEDT

ClinVar aggregate classification (germline): Uncertain significance (1 of 4 stars; one submission).

Conditions:
Cardiovascular phenotype. Identifiers: MedGen CN230736.

Allele frequency attached by ClinVar (database versions not stated): gnomAD exomes 0.00001.
gnomAD v4.1: 13 of 1,612,722 alleles (0.00081%); highest among the groups gnomAD compares: South Asian, 0.0066%; no homozygotes.

Submission:

Ambry Genetics
Classification: Uncertain significance for Cardiovascular phenotype. Last evaluated: 2020-03-23. Review status: criteria provided, single submitter. Criteria: Ambry Variant Classification Scheme 2023. Collection method: clinical testing. Allele origin: germline.
Comment: The p.R13151C variant (also known as c.39451C>T), located in coding exon 143 of the TTN gene, results from a C to T substitution at nucleotide position 39451. The arginine at codon 13151 is replaced by cysteine, an amino acid with highly dissimilar properties. This amino acid position is not well conserved in available vertebrate species. In addition, this alteration is predicted to be tolerated by in silico analysis. Since supporting evidence is limited at this time, the clinical significance of this alteration remains unclear.